The following is an entry in ClinVar:

ClinVar aggregate classification (germline): Uncertain significance (1 of 4 stars; one submission).

Submission:

Ambry Genetics
Classification: Uncertain significance. Last evaluated: 2024-01-17. Review status: criteria provided, single submitter. Criteria: Ambry Variant Classification Scheme 2023. Collection method: clinical testing. Allele origin: germline.
Comment: The c.1798-5_1807del15 variant results from a deletion of 15 nucleotides between positions c.1798-5 and c.1807 and involves the canonical splice acceptor site before coding exon 14 of the RECQL gene. The canonical splice acceptor site is conserved in available vertebrate species. In silico splice site analysis predicts that this alteration will weaken the native splice acceptor site and will result in the creation or strengthening of a novel splice acceptor site. This alteration occurs at the 3' terminus of the RECQL gene, is not expected to trigger nonsense-mediated mRNA decay, and only impacts the last 8% of the protein. The exact functional effect of this alteration is unknown. In addition, the evidence for this gene-disease relationship is limited; therefore, the clinical significance of this alteration is unclear.

NM_002907.4(RECQL):c.1798-5_1807del

Genes: PYROXD1 (pyridine nucleotide-disulphide oxidoreductase domain 1; plus strand), RECQL (RecQ like helicase; minus strand). Cytogenetic location: 12p12.1.
Variant type: Deletion.
Coding change: c.1798-5_1807del on transcript NM_002907.4 (MANE Select); 5 bases into the intron before coding-DNA position 1798 through coding-DNA position 1807, 15 bases deleted (TGTAGGCTGAATCGT).
Molecular consequence: splice acceptor variant. On other transcripts: 3 prime UTR variant (3).
Genome position (GRCh38, 1-based): chr12:21,470,337-21,470,351, ACGATTCAGCCTACA deleted on the plus strand (TGTAGGCTGAATCGT on the coding strand, the reverse complement: RECQL is on the minus strand); deleting any 15 consecutive bases within chr12:21,470,337-21,470,352 gives the same sequence; the c. name uses the placement nearest the transcript's 3' end. VCF-style (leftmost placement, unchanged base first): chr12-21470336-GACGATTCAGCCTACA-G. GRCh37 (hg19) VCF-style: chr12-21623270-GACGATTCAGCCTACA-G.
Other names: c.*1584_*1598del (NM_001350912.2, NM_001350913.2, NM_024854.5); c.1798-5_1807del (NM_032941.3).
Identifiers: ClinVar variation 3222956 (VCV003222956.1), dbSNP rs2540307064, ClinGen allele CA2825002067.
Genomic context (GRCh38, chr12:21,470,336, plus strand): 5'-AAGTTGCCTGAATTTTTTTCCTCCATCTTTTTATCACCTTGTTCAGAATGACAAGTTTGA[GACGATTCAGCCTACA>G]AAAAAAAAAAAAAAACAAAGCAAGCACCTTGGTAAAAATCCAGCTATTCAGTTTTCTCAT-3'